The following is an entry in ClinVar:

NM_152743.4(BRAT1):c.1151C>T (p.Pro384Leu)

Gene: BRAT1 (BRCA1 associated ATM activator 1; minus strand). Cytogenetic location: 7p22.3.
Variant type: single nucleotide variant.
Coding change: c.1151C>T on transcript NM_152743.4 (MANE Select); coding-DNA position 1151, C replaced by T.
Protein change: p.Pro384Leu; replaces proline 384 with leucine.
Molecular consequence: missense variant. On other transcripts: non-coding transcript variant (1).
Genome position (GRCh38, 1-based): chr7:2,541,468, G>A on the plus strand (C>T on the coding strand, the complement: BRAT1 is on the minus strand). VCF-style: chr7-2541468-G-A. GRCh37 (hg19) VCF-style: chr7-2581102-G-A.
Other names: c.1151C>T, p.Pro384Leu (NM_001350626.2); c.626C>T, p.Pro209Leu (NM_001350627.2); short protein forms P209L, P384L.
Identifiers: ClinVar variation 946241 (VCV000946241.9), dbSNP rs1459765153, ClinGen allele CA366629429.

ClinVar aggregate classification (germline): Uncertain significance (1 of 4 stars; one submission).

Conditions:
Neonatal-onset encephalopathy with rigidity and seizures. Also called: Lethal neonatal spasticity-epileptic encephalopathy syndrome. Identifiers: Orphanet 435845, MedGen C3281029, MONDO:0013784, OMIM 614498.

Allele frequency attached by ClinVar (database versions not stated): gnomAD 0.00002 and 0.00003; gnomAD exomes 0.00002; TOPMed 0.00002.
gnomAD v4.1: 37 of 1,548,918 alleles (0.0024%); highest among the groups gnomAD compares: Non-Finnish European, 0.0028%; no homozygotes.

Submission:

Labcorp Genetics (formerly Invitae), Labcorp
Classification: Uncertain significance for Neonatal-onset encephalopathy with rigidity and seizures. Last evaluated: 2025-03-31. Review status: criteria provided, single submitter. Criteria: Invitae Variant Classification Sherloc (09022015). Collection method: clinical testing. Allele origin: germline.
Comment: This sequence change replaces proline, which is neutral and non-polar, with leucine, which is neutral and non-polar, at codon 384 of the BRAT1 protein (p.Pro384Leu). This variant is present in population databases (no rsID available, gnomAD 0.005%). This variant has not been reported in the literature in individuals affected with BRAT1-related conditions. ClinVar contains an entry for this variant (Variation ID: 946241). Invitae Evidence Modeling of protein sequence and biophysical properties (such as structural, functional, and spatial information, amino acid conservation, physicochemical variation, residue mobility, and thermodynamic stability) indicates that this missense variant is not expected to disrupt BRAT1 protein function with a negative predictive value of 95%. In summary, the available evidence is currently insufficient to determine the role of this variant in disease. Therefore, it has been classified as a Variant of Uncertain Significance.